The following is an entry in ClinVar:

NM_002332.3(LRP1):c.300C>T (p.Asp100=)

Gene: LRP1 (LDL receptor related protein 1; plus strand). Cytogenetic location: 12q13.3.
Variant type: single nucleotide variant.
Coding change: c.300C>T on transcript NM_002332.3 (MANE Select); coding-DNA position 300, C replaced by T.
Protein change: p.Asp100=; no amino-acid change (aspartic acid 100 retained).
Molecular consequence: synonymous variant.
Genome position (GRCh38, 1-based): chr12:57,141,483, C>T. VCF-style: chr12-57141483-C-T. GRCh37 (hg19) VCF-style: chr12-57535266-C-T.
Identifiers: ClinVar variation 930178 (VCV000930178.11), dbSNP rs1799986, ClinGen allele CA6642211.

ClinVar aggregate classification (germline): Conflicting classifications of pathogenicity. Review status: criteria provided, conflicting classifications (1 of 4 stars). 8 submissions from 8 submitters: Likely pathogenic (1); Benign (5). 2 of the submissions do not count toward it. Last evaluated 2025-07-30.

Conditions:
Keratosis pilaris atrophicans (KPA). Also called: ​Keratosis pilaris atrophicans; Burnett Schwartz Berberian syndrome. Identifiers: Orphanet 498, MedGen C0263428, MONDO:0018855, OMIM 604093.
Developmental dysplasia of the hip 3. Identifiers: MedGen C5882750, MONDO:0958037, OMIM 620690.
LRP1-related disorder. Also called: LRP1-related condition.
Keratosis pilaris. Also called: Hyperkeratosis pilaris. Identifiers: Orphanet 3406, MedGen C0263383, MONDO:0021036, HP:0032152.

Allele frequency attached by ClinVar (database versions not stated): 1000 Genomes Project 30x 0.09135; 1000 Genomes Project 0.09345; TOPMed 0.10696; ESP Exome Variant Server 0.12087.
gnomAD v4.1: 228,541 of 1,613,992 alleles (14%); highest among the groups gnomAD compares: Middle Eastern, 18%; 17,218 homozygotes.

Submissions (8):

Genomic Medicine Center of Excellence, King Faisal Specialist Hospital and Research Centre
Classification: Likely pathogenic for Keratosis pilaris atrophicans. Last evaluated: 2025-07-30. Review status: criteria provided, single submitter. Criteria: ACMG Guidelines, 2015. Collection method: clinical testing. Allele origin: germline.

Laboratory of Genetics, Children's Clinical University Hospital Latvia
Classification: Benign. Last evaluated: 2025-02-16. Review status: criteria provided, single submitter. Criteria: ACMG Guidelines, 2015. Collection method: clinical testing. Allele origin: germline. Affected: yes.

Department of Pathology and Laboratory Medicine, Sinai Health System
Classification: Benign for Keratosis pilaris atrophicans; Developmental dysplasia of the hip 3. Last evaluated: 2023-04-17. Review status: criteria provided, single submitter. Criteria: ACMG Guidelines, 2015. Collection method: research. Allele origin: germline.

Mendelics
Classification: Benign. Last evaluated: 2022-05-04. Review status: criteria provided, single submitter. Criteria: Mendelics Assertion Criteria 2019. Collection method: clinical testing. Allele origin: germline.

GeneDx
Classification: Benign. Last evaluated: 2018-11-12. Review status: criteria provided, single submitter. Criteria: GeneDx Variant Classification Process June 2021. Collection method: clinical testing. Allele origin: germline. Affected: yes.
Comment: This variant is associated with the following publications: (PMID: 22819221, 12732394, 28924541, 11076057, 9633759)

Breakthrough Genomics
Classification: Benign. Review status: criteria provided, single submitter. Criteria: ACMG Guidelines, 2015. Collection method: not provided. Allele origin: germline. Inheritance: Autosomal recessive inheritance. Affected: yes.

PreventionGenetics, part of Exact Sciences
Classification: Benign for LRP1-related condition. Last evaluated: 2023-12-07. Review status: no assertion criteria provided. Collection method: clinical testing. Allele origin: germline. Not counted in ClinVar's aggregate classification.
Comment: This variant is classified as benign based on ACMG/AMP sequence variant interpretation guidelines (Richards et al. 2015 PMID: 25741868, with internal and published modifications).

Endocrine Laboratory of Southeast University, Southeast University
Classification: Likely pathogenic for Keratosis pilaris. Last evaluated: 2019-01-01. Review status: no assertion criteria provided. Collection method: case-control. Allele origin: unknown. Affected: yes. Observed: 20 variant alleles, 20 heterozygotes. Not counted in ClinVar's aggregate classification.
Comment: early diagnosis and prevention on AD

Literature cited by the submitters: PubMed 28381441 (cited by Endocrine Laboratory of Southeast University, Southeast University).